The following is an entry in ClinVar:

NM_032380.5(GFM2):c.2152del (p.Ile718fs)

Gene: GFM2 (GTP dependent ribosome recycling factor mitochondrial 2; minus strand). Cytogenetic location: 5q13.3.
Variant type: Deletion.
Coding change: c.2152del on transcript NM_032380.5 (MANE Select); coding-DNA position 2152, one base deleted (A; older notation c.2152delA).
Protein change: p.Ile718fs; shifts the reading frame from isoleucine 718.
Molecular consequence: frameshift variant. On other transcripts: non-coding transcript variant (1).
Genome position (GRCh38, 1-based): chr5:74,722,438, T deleted on the plus strand (A on the coding strand, the reverse complement: GFM2 is on the minus strand); the first of 3 consecutive T bases (chr5:74,722,438-74,722,440); deleting any one gives the same sequence. VCF-style (leftmost placement, unchanged base first): chr5-74722437-AT-A. GRCh37 (hg19) VCF-style: chr5-74018262-AT-A.
Other names: c.2248del, p.Ile750fs (NM_001281302.2); c.2011del, p.Ile671fs (NM_170691.3); short protein forms I671fs, I718fs, I750fs.
Identifiers: ClinVar variation 2662349 (VCV002662349.1), dbSNP rs1184413889, ClinGen allele CA560766162.

ClinVar aggregate classification (germline): Uncertain significance (1 of 4 stars; one submission).

Submission:

GeneDx
Classification: Uncertain significance. Last evaluated: 2023-05-12. Review status: criteria provided, single submitter. Criteria: GeneDx Variant Classification Process June 2021. Collection method: clinical testing. Allele origin: germline. Affected: yes.
Comment: Not observed at significant frequency in large population cohorts (gnomAD); Frameshift variant predicted to result in protein truncation as the last 62 amino acids are replaced with 15 different amino acids, although loss-of-function variants have not been reported downstream of this position in the protein; Has not been previously published as pathogenic or benign to our knowledge